The following is an entry in ClinVar:

NM_138425.4(C12orf57):c.53-1G>A

Gene: C12orf57 (chromosome 12 open reading frame 57; plus strand). Cytogenetic location: 12p13.31.
Variant type: single nucleotide variant.
Coding change: c.53-1G>A on transcript NM_138425.4 (MANE Select); the canonical splice acceptor site of the intron before coding-DNA position 53, G replaced by A.
Molecular consequence: splice acceptor variant. On other transcripts: 5 prime UTR variant (1), non-coding transcript variant (1).
Genome position (GRCh38, 1-based): chr12:6,944,475, G>A. VCF-style: chr12-6944475-G-A. GRCh37 (hg19) VCF-style: chr12-7053638-G-A.
Other names: c.-54G>A (NM_001301838.2); c.14-1G>A (NM_001301836.2); c.53-1G>A (NM_001301834.1, NM_001301837.2).
Identifiers: ClinVar variation 534668 (VCV000534668.7), dbSNP rs374836404, ClinGen allele CA232436881.
Genomic context (GRCh38, chr12:6,944,475, plus strand): 5'-CCCGCTGTCTGTTCTCCGACGCCTACCCGGGACGCCTCCCTGGGATGCTTCTGGCGCGCA[G>A]TGGTCCTCGCGGAGGTGATCCAGGCGTTCTCCGCCCCGGAGAATGCAGTGCGCATGGACG-3'

ClinVar aggregate classification (germline): Likely pathogenic (1 of 4 stars; one submission).

Conditions:
Temtamy syndrome (TEMTYS). Also called: MENTAL RETARDATION WITH OR WITHOUT CRANIOFACIAL DYSMORPHISM, OCULAR COLOBOMA, OR ABNORMAL CORPUS CALLOSUM. Identifiers: Orphanet 1777, MedGen C1857512, MONDO:0009033, OMIM 218340.

Allele frequency attached by ClinVar (database versions not stated): gnomAD 0.00001; ESP Exome Variant Server 0.00008; gnomAD exomes below 0.00001.

Submission:

Labcorp Genetics (formerly Invitae), Labcorp
Classification: Likely pathogenic for Temtamy syndrome. Last evaluated: 2022-11-22. Review status: criteria provided, single submitter. Criteria: Invitae Variant Classification Sherloc (09022015). Collection method: clinical testing. Allele origin: germline.
Comment: This sequence change affects an acceptor splice site in intron 1 of the C12orf57 gene. It is expected to disrupt RNA splicing. Variants that disrupt the donor or acceptor splice site typically lead to a loss of protein function (PMID: 16199547), and loss-of-function variants in C12orf57 are known to be pathogenic (PMID: 23453665, 24798461). This variant is not present in population databases (gnomAD no frequency). This variant has not been reported in the literature in individuals affected with C12orf57-related conditions. ClinVar contains an entry for this variant (Variation ID: 534668). Algorithms developed to predict the effect of sequence changes on RNA splicing suggest that this variant may disrupt the consensus splice site. In summary, the currently available evidence indicates that the variant is pathogenic, but additional data are needed to prove that conclusively. Therefore, this variant has been classified as Likely Pathogenic.

Literature cited by the submitters: PubMed 16199547; PubMed 23453665; PubMed 24798461.